The following is an entry in ClinVar:

NM_000219.6(KCNE1):c.291C>G (p.Ala97=)

Gene: KCNE1 (potassium voltage-gated channel subfamily E regulatory subunit 1; minus strand). Cytogenetic location: 21q22.12.
Variant type: single nucleotide variant.
Coding change: c.291C>G on transcript NM_000219.6 (MANE Select); coding-DNA position 291, C replaced by G.
Protein change: p.Ala97=; no amino-acid change (alanine 97 retained).
Molecular consequence: synonymous variant.
Genome position (GRCh38, 1-based): chr21:34,449,344, G>C on the plus strand (C>G on the coding strand, the complement: KCNE1 is on the minus strand). VCF-style: chr21-34449344-G-C. GRCh37 (hg19) VCF-style: chr21-35821642-G-C.
Other names: c.291C>G, p.Ala97= (NM_001127668.4, NM_001127669.4, NM_001127670.4 and 4 more transcripts).
Identifiers: ClinVar variation 3374551 (VCV003374551.2).

Conditions:
Long QT syndrome 5 (LQT5). Identifiers: Orphanet 101016, Orphanet 768, MedGen C1867904, MONDO:0013372, OMIM 613695.

Submission:

Roden Lab, Vanderbilt University Medical Center
No classification provided (evidence only). Condition: Long QT syndrome 5. Review status: no classification provided. Collection method: in vitro. Allele origin: not applicable. Functional consequence: Effect on ion channel function.
ClinVar note: "not provided" was previously submitted as the classification for the variant. However, the classification appeared to be based only on an observation of functional data so it was converted to no classification on 2025-07-30.